The following is an entry in ClinVar:

NM_001370259.2(MEN1):c.509T>C (p.Leu170Pro)

Gene: MEN1 (menin 1; minus strand). Cytogenetic location: 11q13.1.
Variant type: single nucleotide variant.
Coding change: c.509T>C on transcript NM_001370259.2 (MANE Select); coding-DNA position 509, T replaced by C.
Protein change: p.Leu170Pro; replaces leucine 170 with proline.
Molecular consequence: missense variant.
Genome position (GRCh38, 1-based): chr11:64,808,036, A>G on the plus strand (T>C on the coding strand, the complement: MEN1 is on the minus strand). VCF-style: chr11-64808036-A-G. GRCh37 (hg19) VCF-style: chr11-64575508-A-G.
Other names: c.509T>C (NM_130799.2); c.509T>C, p.Leu170Pro (NM_001370251.2, NM_001370260.2, NM_001370261.2 and 3 more transcripts); c.524T>C, p.Leu175Pro (NM_130800.3, NM_130801.3, NM_130802.3 and 3 more transcripts); short protein forms L175P, L170P.
Identifiers: ClinVar variation 1034703 (VCV001034703.11), dbSNP rs1941866849, ClinGen allele CA381186037.
Genomic context (GRCh38, chr11:64,808,036, plus strand): 5'-CCATTGGGCCCAAACACTACCCAGGCATGATCCTCAGACAGGGCGAGGTGGACATCCCGG[A>G]GACCCAGGGCCTGGCAGGCCCCAACCACAGCAAAGGCCACACCGGAGCTGTCCAATTTGG-3'
Protein context (NP_001357188.2, residues 160-180): AVVGACQALG[Leu170Pro]RDVHLALSED

ClinVar aggregate classification (germline): Uncertain significance. Review status: criteria provided, multiple submitters, no conflicts (2 of 4 stars). 2 submissions from 2 submitters: Uncertain significance (2). Last evaluated 2026-04-22.

Conditions:
Hereditary cancer-predisposing syndrome. Also called: Hereditary neoplastic syndrome; Neoplastic Syndromes, Hereditary; Tumor predisposition; Hereditary Cancer Syndrome. Identifiers: Orphanet 140162, MedGen C0027672, MeSH D009386, MONDO:0015356.
Multiple endocrine neoplasia, type 1 (MEN1). Also called: MEA I; MEN I; WERMER SYNDROME; Endocrine adenomatosis multiple; MEN 1. Identifiers: Orphanet 652, MedGen C0025267, MeSH D018761, MONDO:0007540, OMIM 131100.

Submissions (2):

Ambry Genetics
Classification: Uncertain significance for Hereditary cancer-predisposing syndrome. Last evaluated: 2026-04-22. Review status: criteria provided, single submitter. Criteria: Ambry Variant Classification Scheme 2023. Collection method: clinical testing. Allele origin: germline.
Comment: The p.L170P variant (also known as c.509T>C), located in coding exon 2 of the MEN1 gene, results from a T to C substitution at nucleotide position 509. The leucine at codon 170 is replaced by proline, an amino acid with similar properties. This amino acid position is highly conserved in available vertebrate species. In addition, this alteration is predicted to be deleterious by in silico analysis. Based on the available evidence, the clinical significance of this variant remains unclear.

Labcorp Genetics (formerly Invitae), Labcorp
Classification: Uncertain significance for Multiple endocrine neoplasia, type 1. Last evaluated: 2020-10-25. Review status: criteria provided, single submitter. Criteria: Invitae Variant Classification Sherloc (09022015). Collection method: clinical testing. Allele origin: germline.
Comment: This sequence change replaces leucine with proline at codon 170 of the MEN1 protein (p.Leu170Pro). The leucine residue is highly conserved and there is a moderate physicochemical difference between leucine and proline. In summary, the available evidence is currently insufficient to determine the role of this variant in disease. Therefore, it has been classified as a Variant of Uncertain Significance. Advanced modeling of protein sequence and biophysical properties (such as structural, functional, and spatial information, amino acid conservation, physicochemical variation, residue mobility, and thermodynamic stability) performed at Invitae indicates that this missense variant is expected to disrupt MEN1 protein function. This variant has not been reported in the literature in individuals with MEN1-related conditions. This variant is not present in population databases (ExAC no frequency).